The following is an entry in ClinVar:

ClinVar aggregate classification (germline): Uncertain significance. Review status: criteria provided, multiple submitters, no conflicts (2 of 4 stars). 2 submissions from 2 submitters: Uncertain significance (2). Last evaluated 2023-05-24.

Allele frequency attached by ClinVar (database versions not stated): TOPMed below 0.00001; gnomAD 0.00001; gnomAD exomes 0.00001.
gnomAD v4.1: 19 of 1,614,026 alleles (0.0012%); highest among the groups gnomAD compares: Non-Finnish European, 0.0015%; no homozygotes.

Submissions (2):

Mayo Clinic Laboratories, Mayo Clinic
Classification: Uncertain significance. Last evaluated: 2023-05-24. Review status: criteria provided, single submitter. Criteria: ACMG Guidelines, 2015. Collection method: clinical testing. Allele origin: germline. Observed: 1 variant allele.
Comment: BP4, PM2_supporting

Women's Health and Genetics/Laboratory Corporation of America, LabCorp
Classification: Uncertain significance. Last evaluated: 2023-04-11. Review status: criteria provided, single submitter. Criteria: LabCorp Variant Classification Summary - May 2015. Collection method: clinical testing. Allele origin: germline.
Comment: Variant summary: TRIM63 c.866C>T (p.Ala289Val) results in a non-conservative amino acid change located in the COS domain (IPR017903) of the encoded protein sequence. Three of five in-silico tools predict a damaging effect of the variant on protein function. The variant was absent in 251418 control chromosomes. The available data on variant occurrences in the general population are insufficient to allow any conclusion about variant significance. To our knowledge, no occurrence of c.866C>T in individuals affected with Hypertrophic Cardiomyopathy and no experimental evidence demonstrating its impact on protein function have been reported. No clinical diagnostic laboratories have submitted clinical-significance assessments for this variant to ClinVar after 2014. Based on the evidence outlined above, the variant was classified as uncertain significance.

NM_032588.4(TRIM63):c.866C>T (p.Ala289Val)

Gene: TRIM63 (tripartite motif containing 63; minus strand). Cytogenetic location: 1p36.11.
Variant type: single nucleotide variant.
Coding change: c.866C>T on transcript NM_032588.4 (MANE Select); coding-DNA position 866, C replaced by T.
Protein change: p.Ala289Val; replaces alanine 289 with valine.
Molecular consequence: missense variant.
Genome position (GRCh38, 1-based): chr1:26,057,316, G>A on the plus strand (C>T on the coding strand, the complement: TRIM63 is on the minus strand). VCF-style: chr1-26057316-G-A. GRCh37 (hg19) VCF-style: chr1-26383807-G-A.
Other names: p.Ala289Val; short protein forms A289V.
Identifiers: ClinVar variation 2503837 (VCV002503837.2), dbSNP rs936318870, ClinGen allele CA19747491.
Genomic context (GRCh38, chr1:26,057,316, plus strand): 5'-GTAAAGAAGTCCATGTTCTCAAAGCCCTGCTCTGTCTTCCCCAGCTGGCAGCCCTTGGAA[G>A]CTTCCACAATGCTGCAGGGGAGACAGAAAGAGAGGCAGGATGAGGTCTCTGGGGCTCAGT-3'
Protein context (NP_115977.2, residues 279-299): AKQLIKSIVE[Ala289Val]SKGCQLGKTE